The following is an entry in ClinVar:

ClinVar aggregate classification (germline): Uncertain significance (1 of 4 stars; one submission).

Allele frequency attached by ClinVar (database versions not stated): gnomAD exomes below 0.00001.
gnomAD v4.1: 1 of 1,210,864 alleles (0.000083%); highest among the groups gnomAD compares: Non-Finnish European, 0.00011%; no homozygotes.

Submission:

GeneDx
Classification: Uncertain significance. Last evaluated: 2022-10-18. Review status: criteria provided, single submitter. Criteria: GeneDx Variant Classification Process June 2021. Collection method: clinical testing. Allele origin: germline. Affected: yes.
Comment: Not observed at significant frequency in large population cohorts (gnomAD); In silico analysis supports that this missense variant has a deleterious effect on protein structure/function; Has not been previously published as pathogenic or benign to our knowledge

NM_004493.3(HSD17B10):c.545T>C (p.Ile182Thr)

Gene: HSD17B10 (hydroxysteroid 17-beta dehydrogenase 10; minus strand). Cytogenetic location: Xp11.22.
Variant type: single nucleotide variant.
Coding change: c.545T>C on transcript NM_004493.3 (MANE Select); coding-DNA position 545, T replaced by C.
Protein change: p.Ile182Thr; replaces isoleucine 182 with threonine.
Molecular consequence: missense variant.
Genome position (GRCh38, 1-based): chrX:53,431,848, A>G on the plus strand (T>C on the coding strand, the complement: HSD17B10 is on the minus strand). VCF-style: chrX-53431848-A-G. GRCh37 (hg19) VCF-style: chrX-53458796-A-G.
Other names: c.545T>C, p.Ile182Thr (NM_001037811.2); short protein forms I182T.
Identifiers: ClinVar variation 2499695 (VCV002499695.1), dbSNP rs2146627904, ClinGen allele CA413151368.